The following is an entry in ClinVar:

ClinVar aggregate classification (germline): Uncertain significance (1 of 4 stars; one submission).

Submission:

Ambry Genetics
Classification: Uncertain significance. Last evaluated: 2023-12-29. Review status: criteria provided, single submitter. Criteria: Ambry Variant Classification Scheme 2023. Collection method: clinical testing. Allele origin: germline.
Comment: The p.H565D variant (also known as c.1693C>G), located in coding exon 13 of the NPAT gene, results from a C to G substitution at nucleotide position 1693. The histidine at codon 565 is replaced by aspartic acid, an amino acid with similar properties. This amino acid position is conserved. In addition, this alteration is predicted to be tolerated by in silico analysis. Since supporting evidence is limited at this time, the clinical significance of this alteration remains unclear.

NM_002519.3(NPAT):c.1693C>G (p.His565Asp)

Gene: NPAT (nuclear protein, coactivator of histone transcription; minus strand). Cytogenetic location: 11q22.3.
Variant type: single nucleotide variant.
Coding change: c.1693C>G on transcript NM_002519.3 (MANE Select); coding-DNA position 1693, C replaced by G.
Protein change: p.His565Asp; replaces histidine 565 with aspartic acid.
Molecular consequence: missense variant.
Genome position (GRCh38, 1-based): chr11:108,173,291, G>C on the plus strand (C>G on the coding strand, the complement: NPAT is on the minus strand). VCF-style: chr11-108173291-G-C. GRCh37 (hg19) VCF-style: chr11-108044018-G-C.
Other names: c.1693C>G, p.His565Asp (NM_001321307.1); short protein forms H565D.
Identifiers: ClinVar variation 3222484 (VCV003222484.1), dbSNP rs1791806284, ClinGen allele CA382514569.